The following is an entry in ClinVar:

NM_005120.3(MED12):c.3479G>A (p.Cys1160Tyr)

Gene: MED12 (mediator complex subunit 12; plus strand). Cytogenetic location: Xq13.1.
Variant type: single nucleotide variant.
Coding change: c.3479G>A on transcript NM_005120.3 (MANE Select); coding-DNA position 3479, G replaced by A.
Protein change: p.Cys1160Tyr; replaces cysteine 1160 with tyrosine.
Molecular consequence: missense variant.
Genome position (GRCh38, 1-based): chrX:71,129,117, G>A. VCF-style: chrX-71129117-G-A. GRCh37 (hg19) VCF-style: chrX-70348967-G-A.
Other names: short protein forms C1160Y.
Identifiers: ClinVar variation 1307963 (VCV001307963.2), dbSNP rs2092310486, ClinGen allele CA413519556.

ClinVar aggregate classification (germline): Uncertain significance (1 of 4 stars; one submission).

Submission:

GeneDx
Classification: Uncertain significance. Last evaluated: 2019-08-17. Review status: criteria provided, single submitter. Criteria: GeneDx Variant Classification Process June 2021. Collection method: clinical testing. Allele origin: germline. Affected: yes.
Comment: Has not been previously published as pathogenic or benign to our knowledge; Not observed in large population cohorts (Lek et al., 2016); In silico analysis, which includes protein predictors and evolutionary conservation, supports a deleterious effect